The following is an entry in ClinVar:

ClinVar aggregate classification (germline): Uncertain significance (1 of 4 stars; one submission).

Allele frequency attached by ClinVar (database versions not stated): gnomAD 0.00001; ExAC 0.00002.
gnomAD v4.1: 22 of 1,613,896 alleles (0.0014%); highest among the groups gnomAD compares: South Asian, 0.0033%; no homozygotes.

Submission:

Labcorp Genetics (formerly Invitae), Labcorp
Classification: Uncertain significance. Last evaluated: 2024-08-11. Review status: criteria provided, single submitter. Criteria: Invitae Variant Classification Sherloc (09022015). Collection method: clinical testing. Allele origin: germline.
Comment: This sequence change replaces serine, which is neutral and polar, with glycine, which is neutral and non-polar, at codon 326 of the CLUAP1 protein (p.Ser326Gly). This variant is present in population databases (rs761592623, gnomAD 0.006%). This variant has not been reported in the literature in individuals affected with CLUAP1-related conditions. ClinVar contains an entry for this variant (Variation ID: 1954047). Advanced modeling of protein sequence and biophysical properties (such as structural, functional, and spatial information, amino acid conservation, physicochemical variation, residue mobility, and thermodynamic stability) performed at Invitae indicates that this missense variant is not expected to disrupt CLUAP1 protein function with a negative predictive value of 80%. Algorithms developed to predict the effect of sequence changes on RNA splicing suggest that this variant may create or strengthen a splice site. In summary, the available evidence is currently insufficient to determine the role of this variant in disease. Therefore, it has been classified as a Variant of Uncertain Significance.

NM_015041.3(CLUAP1):c.976A>G (p.Ser326Gly)

Gene: CLUAP1 (clusterin associated protein 1; plus strand). Cytogenetic location: 16p13.3.
Variant type: single nucleotide variant.
Coding change: c.976A>G on transcript NM_015041.3 (MANE Select); coding-DNA position 976, A replaced by G.
Protein change: p.Ser326Gly; replaces serine 326 with glycine.
Molecular consequence: missense variant.
Genome position (GRCh38, 1-based): chr16:3,530,615, A>G. VCF-style: chr16-3530615-A-G. GRCh37 (hg19) VCF-style: chr16-3580615-A-G.
Other names: c.976A>G, p.Ser326Gly (NM_001330454.2); c.478A>G, p.Ser160Gly (NM_024793.3); short protein forms S160G, S326G.
Identifiers: ClinVar variation 1954047 (VCV001954047.5), dbSNP rs761592623, ClinGen allele CA7863928.